The following is an entry in ClinVar:

NM_022168.4(IFIH1):c.1490C>G (p.Thr497Arg)

Gene: IFIH1 (interferon induced with helicase C domain 1; minus strand). Cytogenetic location: 2q24.2.
Variant type: single nucleotide variant.
Coding change: c.1490C>G on transcript NM_022168.4 (MANE Select); coding-DNA position 1490, C replaced by G.
Protein change: p.Thr497Arg; replaces threonine 497 with arginine.
Molecular consequence: missense variant.
Genome position (GRCh38, 1-based): chr2:162,281,362, G>C on the plus strand (C>G on the coding strand, the complement: IFIH1 is on the minus strand). VCF-style: chr2-162281362-G-C. GRCh37 (hg19) VCF-style: chr2-163137872-G-C.
Other names: short protein forms T497R.
Identifiers: ClinVar variation 3753631 (VCV003753631.2).

ClinVar aggregate classification (germline): Uncertain significance (1 of 4 stars; one submission).

Conditions:
Singleton-Merten syndrome 1 (SGMRT1). Also called: Widened medullary cavities of bone, aortic calcification, abnormal dentition, and muscular weakness; Syndrome of widened medullary cavities of the metacarpals and phalanges, aortic calcification and abnormal dentition. Identifiers: Orphanet 85191, MedGen C4225427, MONDO:0024535, OMIM 182250.
Aicardi-Goutieres syndrome 7 (AGS7). Identifiers: Orphanet 51, MedGen C3888244, MONDO:0014367, OMIM 615846.

Submission:

Labcorp Genetics (formerly Invitae), Labcorp
Classification: Uncertain significance for Aicardi-Goutieres syndrome 7; Singleton-Merten syndrome 1. Last evaluated: 2024-05-13. Review status: criteria provided, single submitter. Criteria: Invitae Variant Classification Sherloc (09022015). Collection method: clinical testing. Allele origin: germline.
Comment: This sequence change replaces threonine, which is neutral and polar, with arginine, which is basic and polar, at codon 497 of the IFIH1 protein (p.Thr497Arg). This variant is not present in population databases (gnomAD no frequency). This variant has not been reported in the literature in individuals affected with IFIH1-related conditions. Algorithms developed to predict the effect of missense changes on protein structure and function output the following: SIFT: "Not Available"; PolyPhen-2: "Benign"; Align-GVGD: "Not Available". The arginine amino acid residue is found in multiple mammalian species, which suggests that this missense change does not adversely affect protein function. In summary, the available evidence is currently insufficient to determine the role of this variant in disease. Therefore, it has been classified as a Variant of Uncertain Significance.